The following is an entry in ClinVar:

NM_015474.4(SAMHD1):c.343A>C (p.Met115Leu)

Gene: SAMHD1 (SAM and HD domain containing deoxynucleoside triphosphate triphosphohydrolase 1; minus strand). Cytogenetic location: 20q11.23.
Variant type: single nucleotide variant.
Coding change: c.343A>C on transcript NM_015474.4 (MANE Select); coding-DNA position 343, A replaced by C.
Protein change: p.Met115Leu; replaces methionine 115 with leucine.
Molecular consequence: missense variant.
Genome position (GRCh38, 1-based): chr20:36,941,044, T>G on the plus strand (A>C on the coding strand, the complement: SAMHD1 is on the minus strand). VCF-style: chr20-36941044-T-G. GRCh37 (hg19) VCF-style: chr20-35569447-T-G.
Other names: c.343A>C, p.Met115Leu (NM_001363729.2, NM_001363733.2); short protein forms M115L.
Identifiers: ClinVar variation 1936881 (VCV001936881.5), dbSNP rs1242544158, ClinGen allele CA408827035.

ClinVar aggregate classification (germline): Uncertain significance (1 of 4 stars; one submission).

Conditions:
Aicardi-Goutieres syndrome 5. Identifiers: Orphanet 51, MedGen C2749659, MONDO:0013059, OMIM 612952.

Allele frequency attached by ClinVar (database versions not stated): gnomAD exomes below 0.00001.

Submission:

Labcorp Genetics (formerly Invitae), Labcorp
Classification: Uncertain significance for Aicardi-Goutieres syndrome 5. Last evaluated: 2022-11-01. Review status: criteria provided, single submitter. Criteria: Invitae Variant Classification Sherloc (09022015). Collection method: clinical testing. Allele origin: germline.
Comment: In summary, the available evidence is currently insufficient to determine the role of this variant in disease. Therefore, it has been classified as a Variant of Uncertain Significance. Advanced modeling of protein sequence and biophysical properties (such as structural, functional, and spatial information, amino acid conservation, physicochemical variation, residue mobility, and thermodynamic stability) performed at Invitae indicates that this missense variant is not expected to disrupt SAMHD1 protein function. This variant has not been reported in the literature in individuals affected with SAMHD1-related conditions. This variant is present in population databases (no rsID available, gnomAD 0.003%). This sequence change replaces methionine, which is neutral and non-polar, with leucine, which is neutral and non-polar, at codon 115 of the SAMHD1 protein (p.Met115Leu).